The following is an entry in ClinVar:

NM_032730.5(RTN4IP1):c.1030A>T (p.Met344Leu)

Gene: RTN4IP1 (reticulon 4 interacting protein 1; minus strand). Cytogenetic location: 6q21.
Variant type: single nucleotide variant.
Coding change: c.1030A>T on transcript NM_032730.5 (MANE Select); coding-DNA position 1030, A replaced by T.
Protein change: p.Met344Leu; replaces methionine 344 with leucine.
Molecular consequence: missense variant.
Genome position (GRCh38, 1-based): chr6:106,583,381, T>A on the plus strand (A>T on the coding strand, the complement: RTN4IP1 is on the minus strand). VCF-style: chr6-106583381-T-A. GRCh37 (hg19) VCF-style: chr6-107031256-T-A.
Other names: c.730A>T, p.Met244Leu (NM_001318746.1); short protein forms M244L, M344L.
Identifiers: ClinVar variation 1935473 (VCV001935473.5), dbSNP rs768014057, ClinGen allele CA3944307.

ClinVar aggregate classification (germline): Uncertain significance (1 of 4 stars; one submission).

Allele frequency attached by ClinVar (database versions not stated): TOPMed below 0.00001.
gnomAD v4.1: 4 of 1,613,586 alleles (0.00025%); highest among the groups gnomAD compares: South Asian, 0.0033%; no homozygotes.

Submission:

Labcorp Genetics (formerly Invitae), Labcorp
Classification: Uncertain significance. Last evaluated: 2023-11-27. Review status: criteria provided, single submitter. Criteria: Invitae Variant Classification Sherloc (09022015). Collection method: clinical testing. Allele origin: germline.
Comment: This sequence change replaces methionine, which is neutral and non-polar, with leucine, which is neutral and non-polar, at codon 344 of the RTN4IP1 protein (p.Met344Leu). This variant is present in population databases (rs768014057, gnomAD 0.007%). This variant has not been reported in the literature in individuals affected with RTN4IP1-related conditions. ClinVar contains an entry for this variant (Variation ID: 1935473). Advanced modeling of protein sequence and biophysical properties (such as structural, functional, and spatial information, amino acid conservation, physicochemical variation, residue mobility, and thermodynamic stability) performed at Invitae indicates that this missense variant is not expected to disrupt RTN4IP1 protein function with a negative predictive value of 80%. In summary, the available evidence is currently insufficient to determine the role of this variant in disease. Therefore, it has been classified as a Variant of Uncertain Significance.